The following is an entry in ClinVar:

ClinVar aggregate classification (germline): Uncertain significance (1 of 4 stars; one submission).

Submission:

Labcorp Genetics (formerly Invitae), Labcorp
Classification: Uncertain significance. Last evaluated: 2019-10-22. Review status: criteria provided, single submitter. Criteria: Invitae Variant Classification Sherloc (09022015). Collection method: clinical testing. Allele origin: germline.
Comment: A gross deletion of the genomic region encompassing the full coding sequence of the SNRNP200 gene has been identified. The boundaries of this event are unknown as the deletion extends beyond the assayed region for this gene and therefore may encompass additional genes. This variant has not been reported in the literature in individuals with SNRNP200-related conditions. The current clinical and genetic evidence is not sufficient to establish whether loss-of-function variants in SNRNP200 cause disease. In summary, the available evidence is currently insufficient to determine the role of this variant in disease. Therefore, it has been classified as a Variant of Uncertain Significance.

NC_000002.12:g.(?_96267321)_(96305437_?)del

Genes: CIAO1 (cytosolic iron-sulfur assembly component 1; plus strand), SNRNP200 (small nuclear ribonucleoprotein U5 subunit 200; minus strand). Cytogenetic location: 2q11.2.
Variant type: Deletion.
Identifiers: ClinVar variation 833194 (VCV000833194.1).